The following is an entry in ClinVar:

NM_014633.5(CTR9):c.2528C>T (p.Ala843Val)

Gene: CTR9 (CTR9 component of Paf1/RNA polymerase II complex; plus strand). Cytogenetic location: 11p15.4.
Variant type: single nucleotide variant.
Coding change: c.2528C>T on transcript NM_014633.5 (MANE Select); coding-DNA position 2528, C replaced by T.
Protein change: p.Ala843Val; replaces alanine 843 with valine.
Molecular consequence: missense variant.
Genome position (GRCh38, 1-based): chr11:10,772,603, C>T. VCF-style: chr11-10772603-C-T. GRCh37 (hg19) VCF-style: chr11-10794150-C-T.
Other names: c.2456C>T, p.Ala819Val (NM_001346279.2); short protein forms A819V, A843V.
Identifiers: ClinVar variation 1423258 (VCV001423258.8), dbSNP rs2135381456, ClinGen allele CA379676112.

ClinVar aggregate classification (germline): Uncertain significance (1 of 4 stars; one submission).

gnomAD v4.1: 1 of 1,611,156 alleles (0.000062%); no homozygotes.

Submission:

Labcorp Genetics (formerly Invitae), Labcorp
Classification: Uncertain significance. Last evaluated: 2020-12-25. Review status: criteria provided, single submitter. Criteria: Invitae Variant Classification Sherloc (09022015). Collection method: clinical testing. Allele origin: germline.
Comment: This sequence change replaces alanine with valine at codon 843 of the CTR9 protein (p.Ala843Val). The alanine residue is moderately conserved and there is a small physicochemical difference between alanine and valine. In summary, the available evidence is currently insufficient to determine the role of this variant in disease. Therefore, it has been classified as a Variant of Uncertain Significance. Algorithms developed to predict the effect of missense changes on protein structure and function (SIFT, PolyPhen-2, Align-GVGD) all suggest that this variant is likely to be tolerated, but these predictions have not been confirmed by published functional studies and their clinical significance is uncertain. This variant has not been reported in the literature in individuals with CTR9-related conditions. This variant is not present in population databases (ExAC no frequency).